The following is an entry in ClinVar:

ClinVar aggregate classification (germline): Uncertain significance. Review status: criteria provided, multiple submitters, no conflicts (2 of 4 stars). 2 submissions from 2 submitters: Uncertain significance (2). Last evaluated 2023-10-29.

Allele frequency attached by ClinVar (database versions not stated): TOPMed below 0.00001; gnomAD 0.00001; gnomAD exomes 0.00002; ExAC 0.00004.

Submissions (2):

Labcorp Genetics (formerly Invitae), Labcorp
Classification: Uncertain significance. Last evaluated: 2023-10-29. Review status: criteria provided, single submitter. Criteria: Invitae Variant Classification Sherloc (09022015). Collection method: clinical testing. Allele origin: germline.
Comment: This sequence change replaces isoleucine, which is neutral and non-polar, with threonine, which is neutral and polar, at codon 350 of the FUK protein (p.Ile350Thr). This variant is present in population databases (rs757962517, gnomAD 0.02%). This variant has not been reported in the literature in individuals affected with FUK-related conditions. Algorithms developed to predict the effect of missense changes on protein structure and function output the following: SIFT: "Not Available"; PolyPhen-2: "Benign"; Align-GVGD: "Not Available". The threonine amino acid residue is found in multiple mammalian species, which suggests that this missense change does not adversely affect protein function. In summary, the available evidence is currently insufficient to determine the role of this variant in disease. Therefore, it has been classified as a Variant of Uncertain Significance.

Ambry Genetics
Classification: Uncertain significance. Last evaluated: 2022-04-07. Review status: criteria provided, single submitter. Criteria: Ambry Variant Classification Scheme 2023. Collection method: clinical testing. Allele origin: germline.

NM_145059.3(FCSK):c.1049T>C (p.Ile350Thr)

Gene: FCSK (fucose kinase; plus strand). Cytogenetic location: 16q22.1.
Variant type: single nucleotide variant.
Coding change: c.1049T>C on transcript NM_145059.3 (MANE Select); coding-DNA position 1049, T replaced by C.
Protein change: p.Ile350Thr; replaces isoleucine 350 with threonine.
Molecular consequence: missense variant.
Genome position (GRCh38, 1-based): chr16:70,470,407, T>C. VCF-style: chr16-70470407-T-C. GRCh37 (hg19) VCF-style: chr16-70504310-T-C.
Other names: c.1049T>C (NM_145059.2); short protein forms I350T.
Identifiers: ClinVar variation 2988354 (VCV002988354.4), dbSNP rs757962517, ClinGen allele CA8143172.